The following is an entry in ClinVar:

ClinVar aggregate classification (germline): Uncertain significance (1 of 4 stars; one submission).

gnomAD v4.1: 1 of 1,614,120 alleles (0.000062%); highest among the groups gnomAD compares: Middle Eastern, 0.016%; no homozygotes.

Submission:

Labcorp Genetics (formerly Invitae), Labcorp
Classification: Uncertain significance. Last evaluated: 2022-03-21. Review status: criteria provided, single submitter. Criteria: Invitae Variant Classification Sherloc (09022015). Collection method: clinical testing. Allele origin: germline.
Comment: This sequence change replaces arginine, which is basic and polar, with glycine, which is neutral and non-polar, at codon 768 of the C2CD3 protein (p.Arg768Gly). This variant is not present in population databases (gnomAD no frequency). This variant has not been reported in the literature in individuals affected with C2CD3-related conditions. Algorithms developed to predict the effect of missense changes on protein structure and function (SIFT, PolyPhen-2, Align-GVGD) all suggest that this variant is likely to be tolerated. In summary, the available evidence is currently insufficient to determine the role of this variant in disease. Therefore, it has been classified as a Variant of Uncertain Significance.

NM_001286577.2(C2CD3):c.2302C>G (p.Arg768Gly)

Gene: C2CD3 (C2 domain containing 3 centriole elongation regulator; minus strand). Cytogenetic location: 11q13.4.
Variant type: single nucleotide variant.
Coding change: c.2302C>G on transcript NM_001286577.2 (MANE Select); coding-DNA position 2302, C replaced by G.
Protein change: p.Arg768Gly; replaces arginine 768 with glycine.
Molecular consequence: missense variant.
Genome position (GRCh38, 1-based): chr11:74,103,409, G>C on the plus strand (C>G on the coding strand, the complement: C2CD3 is on the minus strand). VCF-style: chr11-74103409-G-C. GRCh37 (hg19) VCF-style: chr11-73814454-G-C.
Other names: c.2302C>G, p.Arg768Gly (NM_015531.6); short protein forms R768G.
Identifiers: ClinVar variation 2115585 (VCV002115585.4), dbSNP rs758969612, ClinGen allele CA381832939.